The following is an entry in ClinVar:

ClinVar aggregate classification (germline): Benign. Review status: criteria provided, multiple submitters, no conflicts (2 of 4 stars). 5 submissions from 2 submitters: Benign (5). Last evaluated 2018-01-13.

Conditions:
Cone-rod dystrophy 12 (CORD12). Identifiers: Orphanet 1872, MedGen C2675210, MONDO:0012983, OMIM 612657.
Retinal macular dystrophy type 2 (MCDR2). Also called: Bull's eye macular dystrophy. Identifiers: Orphanet 319640, MedGen C4749334, MONDO:0011957, OMIM 608051.
Stargardt disease 4 (STGD4). Identifiers: Orphanet 827, MedGen C1863534, MONDO:0011370, OMIM 603786.
Retinitis pigmentosa (RP). Identifiers: Orphanet 791, MedGen C0035334, MeSH D012174, MONDO:0019200, OMIM 268000. Inheritance: Autosomal dominant, autosomal recessive and X linked inheritance.

Allele frequency attached by ClinVar (database versions not stated): gnomAD 0.53265 and 0.53940; TOPMed 0.53276; 1000 Genomes Project 30x 0.58698; 1000 Genomes Project 0.59225.

Submissions (5):

Illumina Laboratory Services, Illumina
Classification: Benign for Cone-rod dystrophy 12. Last evaluated: 2018-01-13. Review status: criteria provided, single submitter. Criteria: ICSL Variant Classification Criteria 13 December 2019. Collection method: clinical testing. Allele origin: germline.
Comment: This variant was observed in the ICSL laboratory as part of a predisposition screen in an ostensibly healthy population. It had not been previously curated by ICSL or reported in the Human Gene Mutation Database (HGMD: prior to June 1st, 2018), and was therefore a candidate for classification through an automated scoring system. Utilizing variant allele frequency, disease prevalence and penetrance estimates, and inheritance mode, an automated score was calculated to assess if this variant is too frequent to cause the disease. Based on the score and internal cut-off values, a variant classified as benign is not then subjected to further curation. The score for this variant resulted in a classification of benign for this disease.

Illumina Laboratory Services, Illumina
Classification: Benign for Retinal macular dystrophy type 2. Last evaluated: 2018-01-13. Review status: criteria provided, single submitter. Criteria: ICSL Variant Classification Criteria 13 December 2019. Collection method: clinical testing. Allele origin: germline.
Comment: the same text as in the submission from Illumina Laboratory Services, Illumina above.

Illumina Laboratory Services, Illumina
Classification: Benign for Stargardt disease 4. Last evaluated: 2018-01-13. Review status: criteria provided, single submitter. Criteria: ICSL Variant Classification Criteria 13 December 2019. Collection method: clinical testing. Allele origin: germline.
Comment: the same text as in the submission from Illumina Laboratory Services, Illumina above.

Illumina Laboratory Services, Illumina
Classification: Benign for Retinitis pigmentosa. Last evaluated: 2018-01-13. Review status: criteria provided, single submitter. Criteria: ICSL Variant Classification Criteria 13 December 2019. Collection method: clinical testing. Allele origin: germline.
Comment: the same text as in the submission from Illumina Laboratory Services, Illumina above.

Breakthrough Genomics
Classification: Benign. Review status: criteria provided, single submitter. Criteria: ACMG Guidelines, 2015. Collection method: not provided. Allele origin: germline. Inheritance: Autosomal recessive inheritance. Affected: yes.

NM_006017.3(PROM1):c.*1078A>G

Gene: PROM1 (prominin 1; minus strand). Cytogenetic location: 4p15.32.
Variant type: single nucleotide variant.
Coding change: c.*1078A>G on transcript NM_006017.3 (MANE Select); 1078 bases downstream of the stop codon, A replaced by G.
Molecular consequence: 3 prime UTR variant.
Genome position (GRCh38, 1-based): chr4:15,968,315, T>C on the plus strand (A>G on the coding strand, the complement: PROM1 is on the minus strand). VCF-style: chr4-15968315-T-C. GRCh37 (hg19) VCF-style: chr4-15969938-T-C.
Other names: c.*1078A>G (NM_001145847.2, NM_001145848.2, NM_001145849.2 and 6 more transcripts).
Identifiers: ClinVar variation 347963 (VCV000347963.6), dbSNP rs3130, ClinGen allele CA10617328.